The following is an entry in ClinVar:

ClinVar aggregate classification (germline): Likely benign (1 of 4 stars; one submission).

gnomAD v4.1: 860 of 1,614,248 alleles (0.053%); highest among the groups gnomAD compares: Admixed American, 1.3%; 5 homozygotes.

Submission:

CeGaT Center for Human Genetics Tuebingen
Classification: Likely benign. Last evaluated: 2026-06-01. Review status: criteria provided, single submitter. Criteria: CeGaT Center For Human Genetics Tuebingen Variant Classification Criteria Version 2. Collection method: clinical testing. Allele origin: germline. Affected: yes. Observed: 1 variant allele.
Comment: HUS1B: BP4, BS1

NM_148959.4(HUS1B):c.689G>A (p.Arg230Gln)

Genes: EXOC2 (exocyst complex component 2; minus strand), HUS1B (HUS1 checkpoint clamp component B; minus strand). Cytogenetic location: 6p25.3.
Variant type: single nucleotide variant.
Coding change: c.689G>A on transcript NM_148959.4 (MANE Select); coding-DNA position 689, G replaced by A.
Protein change: p.Arg230Gln; replaces arginine 230 with glutamine.
Molecular consequence: missense variant. On other transcripts: intron variant (1).
Genome position (GRCh38, 1-based): chr6:656,256, C>T on the plus strand (G>A on the coding strand, the complement: HUS1B is on the minus strand). VCF-style: chr6-656256-C-T. GRCh37 (hg19) VCF-style: chr6-656256-C-T.
Other names: c.-43-18395G>A (NM_018303.6); short protein forms R230Q.
Identifiers: ClinVar variation 4872181 (VCV004872181.2).